The following is an entry in ClinVar:

ClinVar aggregate classification (germline): Uncertain significance (1 of 4 stars; one submission).

Submission:

Labcorp Genetics (formerly Invitae), Labcorp
Classification: Uncertain significance. Last evaluated: 2022-08-16. Review status: criteria provided, single submitter. Criteria: Invitae Variant Classification Sherloc (09022015). Collection method: clinical testing. Allele origin: germline.
Comment: This sequence change replaces proline, which is neutral and non-polar, with serine, which is neutral and polar, at codon 916 of the DHX38 protein (p.Pro916Ser). In summary, the available evidence is currently insufficient to determine the role of this variant in disease. Therefore, it has been classified as a Variant of Uncertain Significance. Algorithms developed to predict the effect of missense changes on protein structure and function (SIFT, PolyPhen-2, Align-GVGD) all suggest that this variant is likely to be disruptive. ClinVar contains an entry for this variant (Variation ID: 1426710). This variant has not been reported in the literature in individuals affected with DHX38-related conditions. This variant is not present in population databases (gnomAD no frequency).

NM_014003.4(DHX38):c.2746C>T (p.Pro916Ser)

Gene: DHX38 (DEAH-box helicase 38; plus strand). Cytogenetic location: 16q22.2.
Variant type: single nucleotide variant.
Coding change: c.2746C>T on transcript NM_014003.4 (MANE Select); coding-DNA position 2746, C replaced by T.
Protein change: p.Pro916Ser; replaces proline 916 with serine.
Molecular consequence: missense variant.
Genome position (GRCh38, 1-based): chr16:72,107,485, C>T. VCF-style: chr16-72107485-C-T. GRCh37 (hg19) VCF-style: chr16-72141384-C-T.
Other names: short protein forms P916S.
Identifiers: ClinVar variation 1426710 (VCV001426710.8), dbSNP rs2144169585, ClinGen allele CA396714156.
Genomic context (GRCh38, chr16:72,107,485, plus strand): 5'-CTGCTGCTCAAGTCCCTCGGGGTGCAGGACCTGCTGCAGTTCCACTTCATGGACCCGCCC[C>T]CGGAGGACAACATGCTCAACTCTATGTATCAGCTCTGGATCCTCGGGGCCCTGGACAACA-3'
Protein context (NP_054722.2, residues 906-926): LLQFHFMDPP[Pro916Ser]EDNMLNSMYQ